The following is an entry in ClinVar:

ClinVar aggregate classification (germline): Likely benign. Review status: reviewed by expert panel (3 of 4 stars). 3 submissions from 3 submitters: Likely benign (1). 2 of the submissions do not count toward it. Last evaluated 2017-06-29.

Conditions:
Hereditary breast ovarian cancer syndrome. Also called: Hereditary breast and ovarian cancer syndrome; Hereditary breast and ovarian cancer syndrome (HBOC); BRCA1- and BRCA2-Associated Hereditary Breast and Ovarian Cancer; Breast and ovarian cancer; Hereditary breast and ovarian cancer; Hereditary breast and/or ovarian cancer syndrome. Identifiers: Orphanet 145, MedGen C0677776, MeSH D061325, MONDO:0003582. Disease mechanism: loss of function.
Hereditary cancer-predisposing syndrome. Also called: Hereditary Cancer Syndrome; Hereditary neoplastic syndrome; Tumor predisposition; Neoplastic Syndromes, Hereditary. Identifiers: Orphanet 140162, MedGen C0027672, MeSH D009386, MONDO:0015356.
Breast-ovarian cancer, familial, susceptibility to, 1 (BROVCA1). Also called: OVARIAN CANCER, SUSCEPTIBILITY TO; BRCA1 Hereditary Breast and Ovarian Cancer. Identifiers: Orphanet 145, MedGen C2676676, MONDO:0011450, OMIM 604370. Disease mechanism: loss of function.

Submissions (3):

Evidence-based Network for the Interpretation of Germline Mutant Alleles (ENIGMA)
Classification: Likely benign for Breast-ovarian cancer, familial, susceptibility to, 1. Last evaluated: 2017-06-29. Review status: reviewed by expert panel. Criteria: ENIGMA BRCA1/2 Classification Criteria (2017-06-29). Collection method: curation. Allele origin: germline.
Comment: Synonymous substitution variant, with low bioinformatic likelihood to result in a splicing aberration (Splicing prior probability 0.02).

Labcorp Genetics (formerly Invitae), Labcorp
Classification: Likely benign for Hereditary breast ovarian cancer syndrome. Last evaluated: 2021-07-13. Review status: criteria provided, single submitter. Criteria: Invitae Variant Classification Sherloc (09022015). Collection method: clinical testing. Allele origin: germline. Not counted in ClinVar's aggregate classification.

Ambry Genetics
Classification: Likely benign for Hereditary cancer-predisposing syndrome. Last evaluated: 2014-05-22. Review status: criteria provided, single submitter. Criteria: Ambry Variant Classification Scheme 2023. Collection method: clinical testing. Allele origin: germline. Not counted in ClinVar's aggregate classification.

NM_007294.4(BRCA1):c.4305C>T (p.Asp1435=)

Gene: BRCA1 (BRCA1 DNA repair associated; minus strand). Cytogenetic location: 17q21.31.
Variant type: single nucleotide variant.
Coding change: c.4305C>T on transcript NM_007294.4 (MANE Select); coding-DNA position 4305, C replaced by T.
Protein change: p.Asp1435=; no amino-acid change (aspartic acid 1435 retained).
Molecular consequence: synonymous variant.
Genome position (GRCh38, 1-based): chr17:43,082,456, G>A on the plus strand (C>T on the coding strand, the complement: BRCA1 is on the minus strand). VCF-style: chr17-43082456-G-A. GRCh37 (hg19) VCF-style: chr17-41234473-G-A.
Other names: c.786C>T, p.Asp262= (NM_001408479.1, NM_001408480.1, NM_001408481.1 and 6 more transcripts); c.783C>T, p.Asp261= (NM_001408489.1, NM_001408490.1, NM_001408491.1 and 3 more transcripts); c.756C>T, p.Asp252= (NM_001408494.1); c.753C>T, p.Asp251= (NM_001408495.1); c.732C>T, p.Asp244= (NM_001408496.1, NM_001408497.1, NM_001408498.1 and 3 more transcripts); c.663C>T, p.Asp221= (NM_001408502.1); c.729C>T, p.Asp243= (NM_001408503.1, NM_001408504.1, NM_001408505.1); c.669C>T, p.Asp223= (NM_001408506.1); and 51 more.
Identifiers: ClinVar variation 185251 (VCV000185251.11), dbSNP rs730881445, ClinGen allele CA002760.